The following is an entry in ClinVar:

ClinVar aggregate classification (germline): Pathogenic (1 of 4 stars; one submission).

Conditions:
Peroxisome biogenesis disorder 5A (Zellweger) (PBD5A). Identifiers: Orphanet 912, MedGen C3553940, MONDO:0013932, OMIM 614866.

Submission:

Labcorp Genetics (formerly Invitae), Labcorp
Classification: Pathogenic for Peroxisome biogenesis disorder 5A (Zellweger). Last evaluated: 2021-10-30. Review status: criteria provided, single submitter. Criteria: Invitae Variant Classification Sherloc (09022015). Collection method: clinical testing. Allele origin: germline.
Comment: This sequence change creates a premature translational stop signal (p.Arg184Thrfs*2) in the PEX2 gene. While this is not anticipated to result in nonsense mediated decay, it is expected to disrupt the last 122 amino acid(s) of the PEX2 protein. This variant is not present in population databases (gnomAD no frequency). This variant has not been reported in the literature in individuals affected with PEX2-related conditions. This variant disrupts a region of the PEX2 protein in which other variant(s) (p.Leu207Serfs*10) have been determined to be pathogenic (Invitae). This suggests that this is a clinically significant region of the protein, and that variants that disrupt it are likely to be disease-causing. For these reasons, this variant has been classified as Pathogenic.

NM_000318.3(PEX2):c.550_551insC (p.Cys184fs)

Gene: PEX2 (peroxisomal biogenesis factor 2; minus strand). Cytogenetic location: 8q21.13.
Variant type: Insertion.
Coding change: c.550_551insC on transcript NM_000318.3 (MANE Select); coding-DNA positions 550 to 551, C inserted.
Protein change: p.Cys184fs; shifts the reading frame from cysteine 184.
Molecular consequence: frameshift variant.
Genome position: GRCh38 VCF-style: chr8-76983628-C-CG. GRCh37 (hg19) VCF-style: chr8-77895864-C-CG.
Other names: c.550_551insC, p.Cys184fs (NM_001079867.2, NM_001172086.2, NM_001172087.2); short protein forms C184fs.
Identifiers: ClinVar variation 1459961 (VCV001459961.1), dbSNP rs2132043724, ClinGen allele CA2573143378.